The following is an entry in ClinVar:

ClinVar aggregate classification (germline): Uncertain significance. Review status: criteria provided, multiple submitters, no conflicts (2 of 4 stars). 4 submissions from 4 submitters: Uncertain significance (4). Last evaluated 2026-07-13.

Conditions:
Renal-hepatic-pancreatic dysplasia 1 (RHPD1). Identifiers: MedGen C3715199, MONDO:0008833, OMIM 208540.
NPHP3-related Meckel-like syndrome. Also called: GOLDSTON SYNDROME; Meckel syndrome type 7. Identifiers: Orphanet 3032, MedGen C2673885, MONDO:0009966, OMIM 267010.
Nephronophthisis 3 (NPHP3). Also called: Adolescent nephronophthisis. Identifiers: Orphanet 655, MedGen C1858392, MONDO:0011456, OMIM 604387.
NPHP3-related disorder. Also called: NPHP3-related condition; NPHP3-related disorders. Identifiers: MedGen CN379163.
Nephronophthisis. Also called: Juvenile Nephronophthisis. Identifiers: Orphanet 655, MedGen C0687120, MONDO:0019005, HP:0000090.
Inborn genetic diseases. Identifiers: MedGen C0950123, MeSH D030342.

Allele frequency attached by ClinVar (database versions not stated): ExAC 0.00002; gnomAD exomes 0.00002 and 0.00019; gnomAD 0.00003 and 0.00004; TOPMed 0.00004; ESP Exome Variant Server 0.00008.
gnomAD v4.1: 266 of 1,614,098 alleles (0.016%); highest among the groups gnomAD compares: Non-Finnish European, 0.022%; no homozygotes.

Submissions (4):

PreventionGenetics, part of Exact Sciences
Classification: Uncertain significance for NPHP3-related condition. Last evaluated: 2026-07-13. Review status: criteria provided, single submitter. Criteria: ACMG Guidelines, 2015. Collection method: clinical testing. Allele origin: germline.
Comment: The NPHP3 c.1476A>T variant is predicted to result in the amino acid substitution p.Glu492Asp. To our knowledge, this variant has not been reported in the literature. This variant is reported in 0.0053% of alleles in individuals of European (Non-Finnish) descent in gnomAD. At this time, the clinical significance of this variant is uncertain due to the absence of conclusive functional and genetic evidence.

Ambry Genetics
Classification: Uncertain significance for Inborn genetic diseases. Last evaluated: 2024-10-03. Review status: criteria provided, single submitter. Criteria: Ambry Variant Classification Scheme 2023. Collection method: clinical testing. Allele origin: germline.

Labcorp Genetics (formerly Invitae), Labcorp
Classification: Uncertain significance for Nephronophthisis. Last evaluated: 2022-11-01. Review status: criteria provided, single submitter. Criteria: Invitae Variant Classification Sherloc (09022015). Collection method: clinical testing. Allele origin: germline.
Comment: This sequence change replaces glutamic acid, which is acidic and polar, with aspartic acid, which is acidic and polar, at codon 492 of the NPHP3 protein (p.Glu492Asp). This variant is present in population databases (rs371254114, gnomAD 0.004%). This variant has not been reported in the literature in individuals affected with NPHP3-related conditions. ClinVar contains an entry for this variant (Variation ID: 1046216). Advanced modeling of protein sequence and biophysical properties (such as structural, functional, and spatial information, amino acid conservation, physicochemical variation, residue mobility, and thermodynamic stability) has been performed at Invitae for this missense variant, however the output from this modeling did not meet the statistical confidence thresholds required to predict the impact of this variant on NPHP3 protein function. In summary, the available evidence is currently insufficient to determine the role of this variant in disease. Therefore, it has been classified as a Variant of Uncertain Significance.

Fulgent Genetics
Classification: Uncertain significance for Renal-hepatic-pancreatic dysplasia 1; NPHP3-related Meckel-like syndrome; Nephronophthisis 3. Last evaluated: 2022-03-18. Review status: criteria provided, single submitter. Criteria: ACMG Guidelines, 2015. Collection method: clinical testing. Allele origin: unknown.

NM_153240.5(NPHP3):c.1476A>T (p.Glu492Asp)

Genes: NPHP3 (nephrocystin 3; minus strand), NPHP3-ACAD11 (NPHP3-ACAD11 readthrough (NMD candidate); minus strand). Cytogenetic location: 3q22.1.
Variant type: single nucleotide variant.
Coding change: c.1476A>T on transcript NM_153240.5 (MANE Select); coding-DNA position 1476, A replaced by T.
Protein change: p.Glu492Asp; replaces glutamic acid 492 with aspartic acid.
Molecular consequence: missense variant. On other transcripts: non-coding transcript variant (1).
Genome position (GRCh38, 1-based): chr3:132,704,246, T>A on the plus strand (A>T on the coding strand, the complement: NPHP3 is on the minus strand). VCF-style: chr3-132704246-T-A. GRCh37 (hg19) VCF-style: chr3-132423090-T-A.
Other names: c.1476A>T (NM_153240.4); short protein forms E492D.
Identifiers: ClinVar variation 1046216 (VCV001046216.7), dbSNP rs371254114, ClinGen allele CA2622295.